The following is an entry in ClinVar:

NM_153700.2(STRC):c.4729C>T (p.Arg1577Trp)

Gene: STRC (stereocilin; minus strand). Cytogenetic location: 15q15.3.
Variant type: single nucleotide variant.
Coding change: c.4729C>T on transcript NM_153700.2 (MANE Select); coding-DNA position 4729, C replaced by T.
Protein change: p.Arg1577Trp; replaces arginine 1577 with tryptophan.
Molecular consequence: missense variant.
Genome position (GRCh38, 1-based): chr15:43,600,987, G>A on the plus strand (C>T on the coding strand, the complement: STRC is on the minus strand). VCF-style: chr15-43600987-G-A. GRCh37 (hg19) VCF-style: chr15-43893185-G-A.
Other names: short protein forms R1577W.
Identifiers: ClinVar variation 3171608 (VCV003171608.2), dbSNP rs765170913, ClinGen allele CA7527915.
Genomic context (GRCh38, chr15:43,600,987, plus strand): 5'-TATAACCCAGCGCTGTCAGATGAACGAAGTCCAGGTGGCTCACATGCCGACCACTCTGCC[G>A]TAGGAAACTGGAGACCACAATGCGGAGCTGGGGTGGGGGGTGGGAGAAGAGGGGAAGGAG-3'
Protein context (NP_714544.1, residues 1567-1587): QLRIVVSSFL[Arg1577Trp]QSGRHVSHLD

ClinVar aggregate classification (germline): Uncertain significance. Review status: criteria provided, multiple submitters, no conflicts (2 of 4 stars). 2 submissions from 2 submitters: Uncertain significance (2). Last evaluated 2026-07-27.

Conditions:
Inborn genetic diseases. Identifiers: MedGen C0950123, MeSH D030342.
STRC-related disorder. Also called: STRC-related condition.

Allele frequency attached by ClinVar (database versions not stated): gnomAD exomes 0.00004; ExAC 0.00005.
gnomAD v4.1: 57 of 1,504,222 alleles (0.0038%); highest among the groups gnomAD compares: Middle Eastern, 0.036%; 1 homozygote.

Submissions (2):

PreventionGenetics, part of Exact Sciences
Classification: Uncertain significance for STRC-related condition. Last evaluated: 2026-07-27. Review status: criteria provided, single submitter. Criteria: ACMG Guidelines, 2015. Collection method: clinical testing. Allele origin: germline.
Comment: The STRC c.4729C>T variant is predicted to result in the amino acid substitution p.Arg1577Trp. To our knowledge, this variant has not been reported in the literature. This variant is reported in 0.014% of alleles in individuals of African descent in gnomAD. At this time, the clinical significance of this variant is uncertain due to the absence of conclusive functional and genetic evidence.

Ambry Genetics
Classification: Uncertain significance for Inborn genetic diseases. Last evaluated: 2024-03-11. Review status: criteria provided, single submitter. Criteria: Ambry Variant Classification Scheme 2023. Collection method: clinical testing. Allele origin: germline.